The following is an entry in ClinVar:

ClinVar aggregate classification (germline): Pathogenic (1 of 4 stars; one submission).

Allele frequency attached by ClinVar (database versions not stated): gnomAD exomes below 0.00001.

Submission:

Labcorp Genetics (formerly Invitae), Labcorp
Classification: Pathogenic. Last evaluated: 2022-04-24. Review status: criteria provided, single submitter. Criteria: Invitae Variant Classification Sherloc (09022015). Collection method: clinical testing. Allele origin: germline.
Comment: This variant is not present in population databases (gnomAD no frequency). This sequence change creates a premature translational stop signal (p.Ala365Glyfs*8) in the GLE1 gene. It is expected to result in an absent or disrupted protein product. Loss-of-function variants in GLE1 are known to be pathogenic (PMID: 18204449, 24243016, 27684565). This variant has not been reported in the literature in individuals affected with GLE1-related conditions. For these reasons, this variant has been classified as Pathogenic.

Literature cited by the submitters: PubMed 18204449; PubMed 24243016; PubMed 27684565.

NM_001003722.2(GLE1):c.1089_1099del (p.Ala365fs)

Gene: GLE1 (GLE1 RNA export mediator; plus strand). Cytogenetic location: 9q34.11.
Variant type: Deletion.
Coding change: c.1089_1099del on transcript NM_001003722.2 (MANE Select); coding-DNA positions 1089 to 1099, 11 bases deleted (CCCAGCTCCCA).
Protein change: p.Ala365fs; shifts the reading frame from alanine 365.
Molecular consequence: frameshift variant.
Genome position (GRCh38, 1-based): chr9:128,525,383-128,525,393, CCCAGCTCCCA deleted. VCF-style (leftmost placement, unchanged base first): chr9-128525382-CCCCAGCTCCCA-C. GRCh37 (hg19) VCF-style: chr9-131287661-CCCCAGCTCCCA-C.
Other names: c.1089_1099delCCCAGCTCCCA, p.Ala365Glyfs (NM_001411013.1); c.1089_1099del, p.Ala365fs (NM_001499.2); short protein forms A365fs.
Identifiers: ClinVar variation 1931477 (VCV001931477.5), dbSNP rs2540602169, ClinGen allele CA2580079723.